The following is an entry in ClinVar:

ClinVar aggregate classification (germline): Uncertain significance. Review status: criteria provided, multiple submitters, no conflicts (2 of 4 stars). 2 submissions from 2 submitters: Uncertain significance (2). Last evaluated 2023-11-18.

Conditions:
Ataxia-telangiectasia-like disorder (ATLD). Identifiers: MedGen C1858391, MONDO:0011457.
Hereditary cancer-predisposing syndrome. Also called: Tumor predisposition; Hereditary neoplastic syndrome; Neoplastic Syndromes, Hereditary; Hereditary Cancer Syndrome. Identifiers: Orphanet 140162, MedGen C0027672, MeSH D009386, MONDO:0015356.

Allele frequency attached by ClinVar (database versions not stated): TOPMed below 0.00001; gnomAD 0.00001; gnomAD exomes 0.00001.
gnomAD v4.1: 9 of 1,612,794 alleles (0.00056%); highest among the groups gnomAD compares: Non-Finnish European, 0.00076%; no homozygotes.

Submissions (2):

Ambry Genetics
Classification: Uncertain significance for Hereditary cancer-predisposing syndrome. Last evaluated: 2023-11-18. Review status: criteria provided, single submitter. Criteria: Ambry Variant Classification Scheme 2023. Collection method: clinical testing. Allele origin: germline.
Comment: The p.C336S variant (also known as c.1006T>A), located in coding exon 8 of the MRE11A gene, results from a T to A substitution at nucleotide position 1006. The cysteine at codon 336 is replaced by serine, an amino acid with dissimilar properties. This amino acid position is highly conserved in available vertebrate species. In addition, this alteration is predicted to be deleterious by in silico analysis. Since supporting evidence is limited at this time, the clinical significance of this alteration remains unclear.

Labcorp Genetics (formerly Invitae), Labcorp
Classification: Uncertain significance for Ataxia-telangiectasia-like disorder. Last evaluated: 2018-12-14. Review status: criteria provided, single submitter. Criteria: Invitae Variant Classification Sherloc (09022015). Collection method: clinical testing. Allele origin: germline.
Comment: This sequence change replaces cysteine with serine at codon 336 of the MRE11 protein (p.Cys336Ser). The cysteine residue is moderately conserved and there is a moderate physicochemical difference between cysteine and serine. In summary, the available evidence is currently insufficient to determine the role of this variant in disease. Therefore, it has been classified as a Variant of Uncertain Significance. Algorithms developed to predict the effect of missense changes on protein structure and function (SIFT, PolyPhen-2, Align-GVGD) all suggest that this variant is likely to be tolerated, but these predictions have not been confirmed by published functional studies and their clinical significance is uncertain. This variant has not been reported in the literature in individuals with MRE11-related conditions. This variant is not present in population databases (ExAC no frequency).

NM_005591.4(MRE11):c.1006T>A (p.Cys336Ser)

Gene: MRE11 (MRE11 double strand break repair nuclease; minus strand). Cytogenetic location: 11q21.
Variant type: single nucleotide variant.
Coding change: c.1006T>A on transcript NM_005591.4 (MANE Select); coding-DNA position 1006, T replaced by A.
Protein change: p.Cys336Ser; replaces cysteine 336 with serine.
Molecular consequence: missense variant.
Genome position (GRCh38, 1-based): chr11:94,470,482, A>T on the plus strand (T>A on the coding strand, the complement: MRE11 is on the minus strand). VCF-style: chr11-94470482-A-T. GRCh37 (hg19) VCF-style: chr11-94203648-A-T.
Other names: c.1006T>A, p.Cys336Ser (NM_001330347.2, NM_005590.4); short protein forms C336S.
Identifiers: ClinVar variation 664571 (VCV000664571.13), dbSNP rs1489951044, ClinGen allele CA382374205.